The following is an entry in ClinVar:

NM_000388.4(CASR):c.707G>A (p.Cys236Tyr)

Gene: CASR (calcium sensing receptor; plus strand). Cytogenetic location: 3q21.1.
Variant type: single nucleotide variant.
Coding change: c.707G>A on transcript NM_000388.4 (MANE Select); coding-DNA position 707, G replaced by A.
Protein change: p.Cys236Tyr; replaces cysteine 236 with tyrosine.
Molecular consequence: missense variant.
Genome position (GRCh38, 1-based): chr3:122,261,742, G>A. VCF-style: chr3-122261742-G-A. GRCh37 (hg19) VCF-style: chr3-121980589-G-A.
Other names: c.707G>A, p.Cys236Tyr (NM_001178065.2); short protein forms C236Y.
Identifiers: ClinVar variation 373797 (VCV000373797.7), dbSNP rs1057518616, ClinGen allele CA16042472.

ClinVar aggregate classification (germline): Uncertain significance. Review status: criteria provided, multiple submitters, no conflicts (2 of 4 stars). 2 submissions from 2 submitters: Uncertain significance (2). Last evaluated 2022-06-20.

Conditions:
Familial hypocalciuric hypercalcemia (FHH). Also called: Familial benign hypercalcemia. Identifiers: Orphanet 405, MedGen C1809471, MONDO:0018458.
Autosomal dominant hypocalcemia 1 (HYPOC1). Also called: HYPOCALCEMIA, FAMILIAL. Identifiers: MedGen C3715128, MONDO:0011013, OMIM 601198.

Submissions (2):

Labcorp Genetics (formerly Invitae), Labcorp
Classification: Uncertain significance for Familial hypocalciuric hypercalcemia; Autosomal dominant hypocalcemia 1. Last evaluated: 2022-06-20. Review status: criteria provided, single submitter. Criteria: Invitae Variant Classification Sherloc (09022015). Collection method: clinical testing. Allele origin: germline.
Comment: Algorithms developed to predict the effect of missense changes on protein structure and function (SIFT, PolyPhen-2, Align-GVGD) all suggest that this variant is likely to be disruptive. ClinVar contains an entry for this variant (Variation ID: 373797). This variant has not been reported in the literature in individuals affected with CASR-related conditions. This variant is not present in population databases (gnomAD no frequency). This sequence change replaces cysteine, which is neutral and slightly polar, with tyrosine, which is neutral and polar, at codon 236 of the CASR protein (p.Cys236Tyr). In summary, the available evidence is currently insufficient to determine the role of this variant in disease. Therefore, it has been classified as a Variant of Uncertain Significance.

GeneDx
Classification: Uncertain significance. Last evaluated: 2016-12-05. Review status: criteria provided, single submitter. Criteria: GeneDx Variant Classification (06012015). Collection method: clinical testing. Allele origin: germline. Affected: yes.
Comment: The C236Y variant has not been published as a pathogenic variant, nor has it been reported as a benign variant to our knowledge. The variant was not observed in approximately 6,500 individuals of European and African American ancestry in the NHLBI Exome Sequencing Project, indicating it is not a common benign variant in these populations. C236Y is a non-conservative amino acid substitution, which is likely to impact secondary protein structure as these residues differ in polarity, charge, size and/or other properties. This substitution occurs at a position that is conserved across species, and in silico analysis predicts this variant is probably damaging to the protein structure/function. Therefore, based on the currently available information, it is unclear whether this variant is a pathogenic variant or a rare benign variant.